The following is an entry in ClinVar:

NM_000045.4(ARG1):c.491G>A (p.Trp164Ter)

Genes: ARG1 (arginase 1; plus strand), MED23 (mediator complex subunit 23; minus strand). Cytogenetic location: 6q23.2.
Variant type: single nucleotide variant.
Coding change: c.491G>A on transcript NM_000045.4 (MANE Select); coding-DNA position 491, G replaced by A.
Protein change: p.Trp164Ter; replaces tryptophan 164 with a stop codon.
Molecular consequence: nonsense. On other transcripts: non-coding transcript variant (1), intron variant (3).
Genome position (GRCh38, 1-based): chr6:131,582,646, G>A. VCF-style: chr6-131582646-G-A. GRCh37 (hg19) VCF-style: chr6-131903786-G-A.
Other names: c.515G>A, p.Trp172Ter (NM_001244438.2); c.306-414G>A (NM_001369020.1); c.4077+5063C>T (NM_001270521.2); c.4095+5063C>T (NM_015979.4); short protein forms W164*, W172*.
Identifiers: ClinVar variation 2678221 (VCV002678221.5), dbSNP rs1773986769, ClinGen allele CA365651291.

ClinVar aggregate classification (germline): Pathogenic. Review status: criteria provided, multiple submitters, no conflicts (2 of 4 stars). 3 submissions from 3 submitters: Pathogenic (3). Last evaluated 2025-01-14.

Conditions:
Arginase deficiency. Also called: ARGININEMIA; ARG1 DEFICIENCY; Arginase 1 Deficiency. Identifiers: Orphanet 90, MedGen C0268548, MONDO:0008814, OMIM 207800.

Submissions (3):

Myriad Genetics, Inc.
Classification: Pathogenic for Arginase deficiency. Last evaluated: 2025-01-14. Review status: criteria provided, single submitter. Criteria: Myriad Autosomal Dominant, Autosomal Recessive and X-Linked Classification Criteria (2023). Collection method: clinical testing. Allele origin: unknown.
Comment: NM_000045.3(ARG1):c.491G>A(W164*) is expected to be pathogenic in the context of argininemia. This variant is predicted to lead to an abnormal or absent protein product due to the creation of a premature termination codon in ARG1, a gene where loss-of-function variants are known to be pathogenic. Please note: this variant was assessed in the context of healthy population screening.

Baylor Genetics
Classification: Pathogenic for Arginase deficiency. Last evaluated: 2023-10-05. Review status: criteria provided, single submitter. Criteria: ACMG Guidelines, 2015. Collection method: clinical testing. Allele origin: unknown.

Labcorp Genetics (formerly Invitae), Labcorp
Classification: Pathogenic for Arginase deficiency. Last evaluated: 2022-11-03. Review status: criteria provided, single submitter. Criteria: Invitae Variant Classification Sherloc (09022015). Collection method: clinical testing. Allele origin: germline.
Comment: This sequence change creates a premature translational stop signal (p.Trp164*) in the ARG1 gene. It is expected to result in an absent or disrupted protein product. Loss-of-function variants in ARG1 are known to be pathogenic (PMID: 7649538, 12052859). This variant is not present in population databases (gnomAD no frequency). For these reasons, this variant has been classified as Pathogenic. This variant has not been reported in the literature in individuals affected with ARG1-related conditions.

Literature cited by the submitters: PubMed 7649538 (cited by Labcorp Genetics (formerly Invitae), Labcorp); PubMed 12052859 (cited by Labcorp Genetics (formerly Invitae), Labcorp).